The following is an entry in ClinVar:

NM_002350.4(LYN):c.88A>G (p.Thr30Ala)

Gene: LYN (LYN proto-oncogene, Src family tyrosine kinase; plus strand). Cytogenetic location: 8q12.1.
Variant type: single nucleotide variant.
Coding change: c.88A>G on transcript NM_002350.4 (MANE Select); coding-DNA position 88, A replaced by G.
Protein change: p.Thr30Ala; replaces threonine 30 with alanine.
Molecular consequence: missense variant. On other transcripts: intron variant (1).
Genome position (GRCh38, 1-based): chr8:55,941,947, A>G. VCF-style: chr8-55941947-A-G. GRCh37 (hg19) VCF-style: chr8-56854506-A-G.
Other names: c.69+19A>G (NM_001111097.3); c.88A>G (NM_002350.3); short protein forms T30A.
Identifiers: ClinVar variation 1504325 (VCV001504325.10), dbSNP rs377153434, ClinGen allele CA4753897.

ClinVar aggregate classification (germline): Uncertain significance. Review status: criteria provided, multiple submitters, no conflicts (2 of 4 stars). 2 submissions from 2 submitters: Uncertain significance (2). Last evaluated 2026-01-20.

Conditions:
Inborn genetic diseases. Identifiers: MedGen C0950123, MeSH D030342.

Allele frequency attached by ClinVar (database versions not stated): gnomAD exomes 0.00001; ExAC 0.00002; gnomAD 0.00006 and 0.00010; ESP Exome Variant Server 0.00015.
gnomAD v4.1: 41 of 1,613,416 alleles (0.0025%); highest among the groups gnomAD compares: Non-Finnish European, 0.003%; no homozygotes.

Submissions (2):

Labcorp Genetics (formerly Invitae), Labcorp
Classification: Uncertain significance. Last evaluated: 2026-01-20. Review status: criteria provided, single submitter. Criteria: Invitae Variant Classification Sherloc (09022015). Collection method: clinical testing. Allele origin: germline.
Comment: This sequence change replaces threonine, which is neutral and polar, with alanine, which is neutral and non-polar, at codon 30 of the LYN protein (p.Thr30Ala). This variant is present in population databases (rs377153434, gnomAD 0.004%). This variant has not been reported in the literature in individuals affected with LYN-related conditions. ClinVar contains an entry for this variant (Variation ID: 1504325). An algorithm developed to predict the effect of missense changes on protein structure and function (PolyPhen-2) suggests that this variant is likely to be tolerated. In summary, the available evidence is currently insufficient to determine the role of this variant in disease. Therefore, it has been classified as a Variant of Uncertain Significance.

Ambry Genetics
Classification: Uncertain significance for Inborn genetic diseases. Last evaluated: 2025-02-13. Review status: criteria provided, single submitter. Criteria: Ambry Variant Classification Scheme 2023. Collection method: clinical testing. Allele origin: germline.